The following is an entry in ClinVar:

ClinVar aggregate classification (germline): Uncertain significance. Review status: criteria provided, multiple submitters, no conflicts (2 of 4 stars). 4 submissions from 4 submitters: Uncertain significance (4). Last evaluated 2025-06-07.

Conditions:
Hawkinsinuria. Identifiers: Orphanet 2118, MedGen C2931042, MONDO:0007700, OMIM 140350, HP:0034457.
Tyrosinemia type III. Also called: 4-HYDROXYPHENYLPYRUVIC ACID OXIDASE DEFICIENCY; Tyrosinemia type 3; 4-alpha hydroxyphenylpyruvic acid oxidase deficiency; 4-alpha hydroxyphenylpyruvate dioxygenase deficiency; 4-Hydroxyphenylpyruvate dioxygenase deficiency. Identifiers: Orphanet 69723, MedGen C0268623, MONDO:0010162, OMIM 276710.
Inborn genetic diseases. Identifiers: MedGen C0950123, MeSH D030342.
HPD-related disorder. Also called: HPD-related condition.

Allele frequency attached by ClinVar (database versions not stated): gnomAD 0.00001 and 0.00002; gnomAD exomes 0.00008 and 0.00017; TOPMed 0.00009; ExAC 0.00017.
gnomAD v4.1: 52 of 1,613,970 alleles (0.0032%); highest among the groups gnomAD compares: Admixed American, 0.087%; no homozygotes.

Submissions (4):

Ambry Genetics
Classification: Uncertain significance for Inborn genetic diseases. Last evaluated: 2025-06-07. Review status: criteria provided, single submitter. Criteria: Ambry Variant Classification Scheme 2023. Collection method: clinical testing. Allele origin: germline.

Labcorp Genetics (formerly Invitae), Labcorp
Classification: Uncertain significance for Tyrosinemia type III; Hawkinsinuria. Last evaluated: 2024-11-05. Review status: criteria provided, single submitter. Criteria: Invitae Variant Classification Sherloc (09022015). Collection method: clinical testing. Allele origin: germline.
Comment: This sequence change replaces glycine, which is neutral and non-polar, with serine, which is neutral and polar, at codon 83 of the HPD protein (p.Gly83Ser). This variant is present in population databases (rs766105515, gnomAD 0.1%). This variant has not been reported in the literature in individuals affected with HPD-related conditions. ClinVar contains an entry for this variant (Variation ID: 1010137). Invitae Evidence Modeling of protein sequence and biophysical properties (such as structural, functional, and spatial information, amino acid conservation, physicochemical variation, residue mobility, and thermodynamic stability) indicates that this missense variant is not expected to disrupt HPD protein function with a negative predictive value of 80%. In summary, the available evidence is currently insufficient to determine the role of this variant in disease. Therefore, it has been classified as a Variant of Uncertain Significance.

GeneDx
Classification: Uncertain significance. Last evaluated: 2022-12-21. Review status: criteria provided, single submitter. Criteria: GeneDx Variant Classification Process June 2021. Collection method: clinical testing. Allele origin: germline. Affected: yes.
Comment: In silico analysis supports that this missense variant has a deleterious effect on protein structure/function; Has not been previously published as pathogenic or benign to our knowledge

PreventionGenetics, part of Exact Sciences
Classification: Uncertain significance for HPD-related condition. Last evaluated: 2022-08-24. Review status: criteria provided, single submitter. Criteria: ACMG Guidelines, 2015. Collection method: clinical testing. Allele origin: germline.
Comment: The HPD c.247G>A variant is predicted to result in the amino acid substitution p.Gly83Ser. To our knowledge, this variant has not been reported in the literature. This variant is reported in 0.12% of alleles in individuals of Latino descent in gnomAD. At this time, the clinical significance of this variant is uncertain due to the absence of conclusive functional and genetic evidence.

NM_002150.3(HPD):c.247G>A (p.Gly83Ser)

Genes: HPD (4-hydroxyphenylpyruvate dioxygenase; minus strand), TIALD (transcript inducer of AURKA lysosomal degradation; plus strand), LOC126861662 (MED14-independent group 3 enhancer GRCh37_chr12:122293687-122294886; plus strand). Cytogenetic location: 12q24.31.
Variant type: single nucleotide variant.
Coding change: c.247G>A on transcript NM_002150.3 (MANE Select); coding-DNA position 247, G replaced by A.
Protein change: p.Gly83Ser; replaces glycine 83 with serine.
Molecular consequence: missense variant.
Genome position (GRCh38, 1-based): chr12:121,856,401, C>T on the plus strand (G>A on the coding strand, the complement: HPD is on the minus strand). VCF-style: chr12-121856401-C-T. GRCh37 (hg19) VCF-style: chr12-122294307-C-T.
Other names: c.130G>A, p.Gly44Ser (NM_001171993.2); c.247G>A (NM_002150.2); short protein forms G44S, G83S.
Identifiers: ClinVar variation 1010137 (VCV001010137.6), dbSNP rs766105515, ClinGen allele CA6839743.